The following is an entry in ClinVar:

NM_004006.3(DMD):c.1112A>G (p.Asp371Gly)

Gene: DMD (dystrophin; minus strand). Cytogenetic location: Xp21.1.
Variant type: single nucleotide variant.
Coding change: c.1112A>G on transcript NM_004006.3 (MANE Select); coding-DNA position 1112, A replaced by G.
Protein change: p.Asp371Gly; replaces aspartic acid 371 with glycine.
Molecular consequence: missense variant.
Genome position (GRCh38, 1-based): chrX:32,645,001, T>C on the plus strand (A>G on the coding strand, the complement: DMD is on the minus strand). VCF-style: chrX-32645001-T-C. GRCh37 (hg19) VCF-style: chrX-32663118-T-C.
Other names: c.1088A>G, p.Asp363Gly (NM_000109.4); c.1100A>G, p.Asp367Gly (NM_004009.3); c.743A>G, p.Asp248Gly (NM_004010.3); short protein forms D248G, D363G, D367G, D371G.
Identifiers: ClinVar variation 956406 (VCV000956406.10), dbSNP rs770239678, ClinGen allele CA10379971.

ClinVar aggregate classification (germline): Uncertain significance. Review status: criteria provided, multiple submitters, no conflicts (2 of 4 stars). 4 submissions from 4 submitters: Uncertain significance (3). 1 of the submissions does not count toward it. Last evaluated 2026-02-14.

Conditions:
Cardiovascular phenotype. Identifiers: MedGen CN230736.
Duchenne muscular dystrophy (DMD). Also called: MUSCULAR DYSTROPHY, PSEUDOHYPERTROPHIC PROGRESSIVE, DUCHENNE TYPE; Duchenne Muscular Dystrophy (DMD). Identifiers: Orphanet 98896, MedGen C0013264, MONDO:0010679, OMIM 310200.
Dystrophin deficiency.
Becker muscular dystrophy (BMD). Also called: MUSCULAR DYSTROPHY, PSEUDOHYPERTROPHIC PROGRESSIVE, BECKER TYPE; Becker Muscular Dystrophy (BMD). Identifiers: Orphanet 98895, MedGen C0917713, MONDO:0010311, OMIM 300376.
Cardiomyopathy (CMYO). Also called: Cardiomyopathies. Identifiers: Orphanet 167848, MedGen C0878544, MONDO:0004994, HP:0001638. Inheritance: Various modes of inheritance.

Allele frequency attached by ClinVar (database versions not stated): ExAC 0.00001; gnomAD exomes 0.00001 and below 0.00001; TOPMed 0.00001.
gnomAD v4.1: 2 of 1,211,673 alleles (0.00017%); highest among the groups gnomAD compares: Admixed American, 0.0044%; no homozygotes.

Submissions (4):

Ambry Genetics
Classification: Uncertain significance for Cardiovascular phenotype. Last evaluated: 2026-02-14. Review status: criteria provided, single submitter. Criteria: Ambry Variant Classification Scheme 2023. Collection method: clinical testing. Allele origin: germline.
Comment: The p.D371G variant (also known as c.1112A>G), located in coding exon 10 of the DMD gene, results from an A to G substitution at nucleotide position 1112. The aspartic acid at codon 371 is replaced by glycine, an amino acid with similar properties. Based on data from gnomAD, the G allele has an overall frequency of <0.01% (1/183352) total alleles studied, with 0 hemizygote(s) observed. The highest observed frequency was <0.01% (1/27416) of Latino alleles. This amino acid position is conserved. In addition, this alteration is predicted to be tolerated by in silico analysis. Based on the available evidence, the clinical significance of this variant remains unclear.

Labcorp Genetics (formerly Invitae), Labcorp
Classification: Uncertain significance for Duchenne muscular dystrophy. Last evaluated: 2025-11-25. Review status: criteria provided, single submitter. Criteria: Invitae Variant Classification Sherloc (09022015). Collection method: clinical testing. Allele origin: germline.
Comment: This sequence change replaces aspartic acid, which is acidic and polar, with glycine, which is neutral and non-polar, at codon 371 of the DMD protein (p.Asp371Gly). This variant is present in population databases (rs770239678, gnomAD 0.004%). This variant has not been reported in the literature in individuals affected with DMD-related conditions. ClinVar contains an entry for this variant (Variation ID: 956406). Invitae Evidence Modeling of protein sequence and biophysical properties (such as structural, functional, and spatial information, amino acid conservation, physicochemical variation, residue mobility, and thermodynamic stability) indicates that this missense variant is not expected to disrupt DMD protein function with a negative predictive value of 95%. In summary, the available evidence is currently insufficient to determine the role of this variant in disease. Therefore, it has been classified as a Variant of Uncertain Significance.

Athena Diagnostics
Classification: Uncertain significance. Last evaluated: 2020-08-19. Review status: criteria provided, single submitter. Criteria: Athena Diagnostics Criteria. Collection method: clinical testing. Allele origin: unknown.

Natera, Inc.
Classification: Uncertain significance for Becker muscular dystrophy; Cardiomyopathy; Duchenne muscular dystrophy; Dystrophin deficiency. Last evaluated: 2019-09-04. Review status: no assertion criteria provided. Collection method: clinical testing. Allele origin: germline. Not counted in ClinVar's aggregate classification.